The following is an entry in ClinVar:

ClinVar aggregate classification (germline): Conflicting classifications of pathogenicity. Review status: criteria provided, conflicting classifications (1 of 4 stars). 3 submissions from 3 submitters: Pathogenic (1); Uncertain significance (2). Last evaluated 2022-12-17.

Conditions:
Brugada syndrome 5 (BRGDA5). Identifiers: Orphanet 130, Orphanet 871, MedGen C2748541, MONDO:0013015, OMIM 612838.

Submissions (3):

Labcorp Genetics (formerly Invitae), Labcorp
Classification: Pathogenic for Brugada syndrome 5. Last evaluated: 2022-12-17. Review status: criteria provided, single submitter. Criteria: Invitae Variant Classification Sherloc (09022015). Collection method: clinical testing. Allele origin: germline.
Comment: This sequence change affects the initiator methionine of the SCN1B mRNA. The next in-frame methionine is located at codon 34. This variant is not present in population databases (gnomAD no frequency). For these reasons, this variant has been classified as Pathogenic. ClinVar contains an entry for this variant (Variation ID: 1191122). Disruption of the initiator codon has been observed in individuals with clinical features of generalized epilepsy with febrile seizures plus (PMID: 30660056; Invitae). It has also been observed to segregate with disease in related individuals.

AiLife Diagnostics
Classification: Uncertain significance. Last evaluated: 2021-12-07. Review status: criteria provided, single submitter. Criteria: ACMG Guidelines, 2015. Collection method: clinical testing. Allele origin: germline. Affected: yes. Observed: 1 variant allele.

GeneDx
Classification: Uncertain significance. Last evaluated: 2019-09-10. Review status: criteria provided, single submitter. Criteria: GeneDx Variant Classification Process June 2021. Collection method: clinical testing. Allele origin: germline. Affected: yes.
Comment: Not observed in large population cohorts (Lek et al., 2016); Initiation codon variant in a gene for which loss-of-function is not a known mechanism of disease. The resultant protein would be described as "p.Met1?" to signify that it is not known if the loss of Met1 means that all protein translation is completely prevented or if a protein is produced using an alternative Methionine initiator codon; Has not been previously published as pathogenic or benign to our knowledge

Literature cited by the submitters: PubMed 30660056 (cited by Labcorp Genetics (formerly Invitae), Labcorp).

NM_001037.5(SCN1B):c.2T>C (p.Met1Thr)

Gene: SCN1B (sodium voltage-gated channel beta subunit 1; plus strand). Cytogenetic location: 19q13.11.
Variant type: single nucleotide variant.
Coding change: c.2T>C on transcript NM_001037.5 (MANE Select); coding-DNA position 2, T replaced by C.
Protein change: p.Met1Thr; changes the start codon (methionine 1).
Molecular consequence: missense variant, initiator codon variant.
Genome position (GRCh38, 1-based): chr19:35,030,822, T>C. VCF-style: chr19-35030822-T-C. GRCh37 (hg19) VCF-style: chr19-35521726-T-C.
Other names: c.2T>C, p.Met1Thr (NM_199037.5); short protein forms M1T.
Identifiers: ClinVar variation 1191122 (VCV001191122.7), dbSNP rs2151745332, ClinGen allele CA405327774.